The following is an entry in ClinVar:

NM_145239.3(PRRT2):c.741del (p.Ser248fs)

Genes: MVP-DT (MVP divergent transcript; minus strand), PRRT2 (proline rich transmembrane protein 2; plus strand). Cytogenetic location: 16p11.2.
Variant type: Deletion.
Coding change: c.741del on transcript NM_145239.3 (MANE Select); coding-DNA position 741, one base deleted (C; older notation c.741delC).
Protein change: p.Ser248fs; shifts the reading frame from serine 248.
Molecular consequence: frameshift variant.
Genome position (GRCh38, 1-based): chr16:29,813,795, C deleted; the last of 4 consecutive C bases (chr16:29,813,792-29,813,795); deleting any one gives the same sequence. VCF-style (leftmost placement, unchanged base first): chr16-29813791-AC-A. GRCh37 (hg19) VCF-style: chr16-29825112-AC-A.
Other names: c.741del, p.Ser248fs (NM_001256442.2, NM_001256443.2); c.741delC (NM_145239.3); short protein forms S248fs.
Identifiers: ClinVar variation 2637572 (VCV002637572.4), dbSNP rs2543335595, ClinGen allele CA2695197633.

ClinVar aggregate classification (germline): Pathogenic. Review status: criteria provided, multiple submitters, no conflicts (2 of 4 stars). 2 submissions from 2 submitters: Pathogenic (2). Last evaluated 2023-10-30.

Conditions:
Episodic kinesigenic dyskinesia 1 (EKD1). Also called: DYSTONIA, FAMILIAL PAROXYSMAL; PAROXYSMAL KINESIGENIC CHOREOATHETOSIS; Dystonia 10; PRRT2-Related Paroxysmal Kinesigenic Dyskinesia (PKD); PxMD-PRRT2. Identifiers: Orphanet 98809, MedGen C4552000, MONDO:0100352, OMIM 128200, MONDO:0007494.
Episodic kinesigenic dyskinesia (EKD). Also called: Paroxysmal kinesigenic dyskinesia. Identifiers: Orphanet 98809, MedGen C1868682, MONDO:0044202.

Submissions (2):

Women's Health and Genetics/Laboratory Corporation of America, LabCorp
Classification: Pathogenic for Episodic kinesigenic dyskinesia 1. Last evaluated: 2023-10-30. Review status: criteria provided, single submitter. Criteria: LabCorp Variant Classification Summary - May 2015. Collection method: clinical testing. Allele origin: germline.
Comment: Variant summary: PRRT2 c.741delC (p.Ser248AlafsX65) results in a premature termination codon, predicted to cause a truncation of the encoded protein or absence of the protein due to nonsense mediated decay, which are commonly known mechanisms for disease. The variant was absent in 244258 control chromosomes. c.741delC has been reported in the literature in individuals affected with Episodic Kinesigenic Dyskinesia 1 and Infantile convulsions (e.g. Cloarec_2012). These data indicate that the variant is likely associated with disease. To our knowledge, no experimental evidence demonstrating an impact on protein function has been reported. The following publication have been ascertained in the context of this evaluation (PMID: 23077017). No submitters have cited clinical-significance assessments for this variant to ClinVar after 2014. Based on the evidence outlined above, the variant was classified as pathogenic.

Labcorp Genetics (formerly Invitae), Labcorp
Classification: Pathogenic for Episodic kinesigenic dyskinesia. Last evaluated: 2023-06-21. Review status: criteria provided, single submitter. Criteria: Invitae Variant Classification Sherloc (09022015). Collection method: clinical testing. Allele origin: germline.
Comment: This sequence change creates a premature translational stop signal (p.Ser248Alafs*65) in the PRRT2 gene. It is expected to result in an absent or disrupted protein product. Loss-of-function variants in PRRT2 are known to be pathogenic (PMID: 22623405, 22744660). This variant is not present in population databases (gnomAD no frequency). This premature translational stop signal has been observed in individual(s) with PRRT2-related conditions (PMID: 23077017). For these reasons, this variant has been classified as Pathogenic.

Literature cited by the submitters: PubMed 23077017 (cited by Women's Health and Genetics/Laboratory Corporation of America, LabCorp and Labcorp Genetics (formerly Invitae), Labcorp); PubMed 22623405 (cited by Labcorp Genetics (formerly Invitae), Labcorp); PubMed 22744660 (cited by Labcorp Genetics (formerly Invitae), Labcorp).